The following is an entry in ClinVar:

NM_145020.5(CFAP53):c.769C>T (p.Arg257Cys)

Gene: CFAP53 (cilia and flagella associated protein 53; minus strand). Cytogenetic location: 18q21.1.
Variant type: single nucleotide variant.
Coding change: c.769C>T on transcript NM_145020.5 (MANE Select); coding-DNA position 769, C replaced by T.
Protein change: p.Arg257Cys; replaces arginine 257 with cysteine.
Molecular consequence: missense variant.
Genome position (GRCh38, 1-based): chr18:50,251,489, G>A on the plus strand (C>T on the coding strand, the complement: CFAP53 is on the minus strand). VCF-style: chr18-50251489-G-A. GRCh37 (hg19) VCF-style: chr18-47777859-G-A.
Other names: short protein forms R257C.
Identifiers: ClinVar variation 960150 (VCV000960150.9), dbSNP rs367667250, ClinGen allele CA8962313.

ClinVar aggregate classification (germline): Uncertain significance. Review status: criteria provided, multiple submitters, no conflicts (2 of 4 stars). 2 submissions from 2 submitters: Uncertain significance (2). Last evaluated 2024-10-21.

Conditions:
Inborn genetic diseases. Identifiers: MedGen C0950123, MeSH D030342.
Heterotaxy, visceral, 6, autosomal (HTX6). Also called: Heterotaxy, visceral, 6, autosomal recessive. Identifiers: Orphanet 450, MedGen C3553676, MONDO:0013887, OMIM 614779.

Allele frequency attached by ClinVar (database versions not stated): ESP Exome Variant Server 0.00008; gnomAD exomes 0.00002; gnomAD 0.00004; TOPMed 0.00002; ExAC 0.00003.

Submissions (2):

Ambry Genetics
Classification: Uncertain significance for Inborn genetic diseases. Last evaluated: 2024-10-21. Review status: criteria provided, single submitter. Criteria: Ambry Variant Classification Scheme 2023. Collection method: clinical testing. Allele origin: germline.

Labcorp Genetics (formerly Invitae), Labcorp
Classification: Uncertain significance for Heterotaxy, visceral, 6, autosomal. Last evaluated: 2019-09-02. Review status: criteria provided, single submitter. Criteria: Invitae Variant Classification Sherloc (09022015). Collection method: clinical testing. Allele origin: germline.
Comment: This sequence change replaces arginine with cysteine at codon 257 of the CFAP53 protein (p.Arg257Cys). The arginine residue is moderately conserved and there is a large physicochemical difference between arginine and cysteine. This variant is present in population databases (rs367667250, ExAC 0.01%). This variant has not been reported in the literature in individuals with CFAP53-related conditions. Algorithms developed to predict the effect of missense changes on protein structure and function are either unavailable or do not agree on the potential impact of this missense change (SIFT: "Deleterious"; PolyPhen-2: "Probably Damaging"; Align-GVGD: "Class C35"). In summary, the available evidence is currently insufficient to determine the role of this variant in disease. Therefore, it has been classified as a Variant of Uncertain Significance.